The following is an entry in ClinVar:

NM_000548.5(TSC2):c.2837+2_2837+5delinsAC

Gene: TSC2 (TSC complex subunit 2; plus strand). Cytogenetic location: 16p13.3.
Variant type: Indel.
Coding change: c.2837+2_2837+5delinsAC on transcript NM_000548.5 (MANE Select); the canonical splice donor site of the intron after coding-DNA position 2837 through 5 bases into the intron after coding-DNA position 2837, TACG replaced by AC.
Molecular consequence: splice donor variant.
Genome position (GRCh38, 1-based): chr16:2,076,587-2,076,590, TACG replaced by AC. VCF-style: chr16-2076587-TACG-AC. GRCh37 (hg19) VCF-style: chr16-2126588-TACG-AC.
Other names: c.1493+2_1493+5delinsAC (NM_001406693.1, NM_001406689.1, NM_001406690.1 and 6 more transcripts); c.2927+2_2927+5delinsAC (NM_001406667.1, NM_001406668.1); c.2237+2_2237+5delinsAC (NM_001406680.1, NM_001406683.1, NM_001406687.1 and 6 more transcripts); c.1235+2_1235+5delinsAC (NM_001406698.1); c.2837+2_2837+5delinsAC (NM_001114382.3, NM_001406663.1, NM_001406664.1 and 6 more transcripts); c.2825+2_2825+5delinsAC (NM_001406671.1, NM_001406673.1); c.2375+2_2375+5delinsAC (NM_001406681.1); c.2726+2_2726+5delinsAC (NM_001406670.1, NM_001318827.2, NM_001406678.1); and 3 more.
Identifiers: ClinVar variation 5031360 (VCV005031360.1).

ClinVar aggregate classification (germline): Uncertain significance (1 of 4 stars; one submission).

Conditions:
Hereditary cancer-predisposing syndrome. Also called: Neoplastic Syndromes, Hereditary; Tumor predisposition; Hereditary neoplastic syndrome; Hereditary Cancer Syndrome. Identifiers: Orphanet 140162, MedGen C0027672, MeSH D009386, MONDO:0015356.

Submission:

Ambry Genetics
Classification: Uncertain significance for Hereditary cancer-predisposing syndrome. Last evaluated: 2026-07-15. Review status: criteria provided, single submitter. Criteria: Ambry Variant Classification Scheme 2023. Collection method: clinical testing. Allele origin: germline.
Comment: The c.2837+2_2837+5delTACGinsAC variant results from a deletion of 4 nucleotides and insertion of 2 nucleotides at positions c.2837+2 to c.2837+5 and involves the canonical splice donor site after coding exon 24 of the TSC2 gene. The canonical splice donor site is well conserved in available vertebrate species. In silico splice site analysis predicts that this alteration will weaken the native splice donor site and may result in the creation or strengthening of a novel splice donor site; however, the exact impact of this variant on splicing and function is currently unknown. Variants that disrupt the canonical splice site are expected to cause aberrant splicing, resulting in an abnormal protein or a transcript that is subject to nonsense-mediated mRNA decay. Based on the available evidence, the clinical significance of this variant remains unclear.